The following is an entry in ClinVar:

ClinVar aggregate classification (germline): Uncertain significance. Review status: criteria provided, multiple submitters, no conflicts (2 of 4 stars). 2 submissions from 2 submitters: Uncertain significance (2). Last evaluated 2026-01-11.

Conditions:
Malignant hyperthermia, susceptibility to, 5 (MHS5). Also called: CACNA1S-Related Malignant Hyperthermia Susceptibility. Identifiers: Orphanet 423, MedGen C1866077, MONDO:0011163, OMIM 601887.
Hypokalemic periodic paralysis, type 1. Also called: HypoPP; Hypokalemic Periodic Paralysis Type 1 (AD). Identifiers: Orphanet 681, MedGen C3714580, MONDO:0042979, OMIM 170400.

Allele frequency attached by ClinVar (database versions not stated): gnomAD 0.00001; ExAC 0.00002; gnomAD exomes 0.00003; TOPMed 0.00003.
gnomAD v4.1: 19 of 1,613,112 alleles (0.0012%); highest among the groups gnomAD compares: Non-Finnish European, 0.0014%; no homozygotes.

Submissions (2):

Labcorp Genetics (formerly Invitae), Labcorp
Classification: Uncertain significance for Hypokalemic periodic paralysis, type 1; Malignant hyperthermia, susceptibility to, 5. Last evaluated: 2026-01-11. Review status: criteria provided, single submitter. Criteria: Invitae Variant Classification Sherloc (09022015). Collection method: clinical testing. Allele origin: germline.
Comment: This sequence change replaces arginine, which is basic and polar, with tryptophan, which is neutral and slightly polar, at codon 1599 of the CACNA1S protein (p.Arg1599Trp). This variant is present in population databases (rs763695518, gnomAD 0.01%). This variant has not been reported in the literature in individuals affected with CACNA1S-related conditions. ClinVar contains an entry for this variant (Variation ID: 473998). Invitae Evidence Modeling of protein sequence and biophysical properties (such as structural, functional, and spatial information, amino acid conservation, physicochemical variation, residue mobility, and thermodynamic stability) has been performed for this missense variant. However, the output from this modeling did not meet the statistical confidence thresholds required to predict the impact of this variant on CACNA1S protein function. In summary, the available evidence is currently insufficient to determine the role of this variant in disease. Therefore, it has been classified as a Variant of Uncertain Significance.

Revvity Omics, Revvity
Classification: Uncertain significance. Last evaluated: 2024-02-13. Review status: criteria provided, single submitter. Criteria: ACMG Guidelines, 2015. Collection method: clinical testing. Allele origin: germline.

NM_000069.3(CACNA1S):c.4795C>T (p.Arg1599Trp)

Gene: CACNA1S (calcium voltage-gated channel subunit alpha1 S; minus strand). Cytogenetic location: 1q32.1.
Variant type: single nucleotide variant.
Coding change: c.4795C>T on transcript NM_000069.3 (MANE Select); coding-DNA position 4795, C replaced by T.
Protein change: p.Arg1599Trp; replaces arginine 1599 with tryptophan.
Molecular consequence: missense variant.
Genome position (GRCh38, 1-based): chr1:201,044,330, G>A on the plus strand (C>T on the coding strand, the complement: CACNA1S is on the minus strand). VCF-style: chr1-201044330-G-A. GRCh37 (hg19) VCF-style: chr1-201013458-G-A.
Other names: short protein forms R1599W.
Identifiers: ClinVar variation 473998 (VCV000473998.10), dbSNP rs763695518, ClinGen allele CA083572.
Genomic context (GRCh38, chr1:201,044,330, plus strand): 5'-TGAGACACTGCCACTCATGGTGTCTAGACCACTAGGGGTGCTCCTGGCTCTCCCTCACCC[G>A]GAATATTCCCTCCTCCATCGCAGCCTCCACCATGGCTCTCTCCAGCTCCTCCTCAGCAGC-3'
Protein context (NP_000060.2, residues 1589-1609): VEAAMEEGIF[Arg1599Trp]RTGGLFGQVD